The following is an entry in ClinVar:

ClinVar aggregate classification (germline): Conflicting classifications of pathogenicity. Review status: criteria provided, conflicting classifications (1 of 4 stars). 2 submissions from 2 submitters: Likely pathogenic (1); Uncertain significance (1). Last evaluated 2026-08-06.

Conditions:
Paediatric disorders.

Submissions (2):

NHS Central & South Genomic Laboratory Hub
Classification: Uncertain significance for Paediatric disorders. Last evaluated: 2026-08-06. Review status: criteria provided, single submitter. Criteria: ACMG Guidelines, 2015. Collection method: clinical testing. Allele origin: germline. Affected: yes.

GeneDx
Classification: Likely pathogenic. Last evaluated: 2025-05-29. Review status: criteria provided, single submitter. Criteria: GeneDx Variant Classification Process June 2021. Collection method: clinical testing. Allele origin: germline. Affected: yes.
Comment: Not observed at significant frequency in large population cohorts (gnomAD); Frameshift variant predicted to result in abnormal protein length as the last 38 amino acid(s) are replaced with 94 different amino acid(s); Has not been previously published as pathogenic or benign to our knowledge

NM_001287491.2(TET3):c.5272_5275del (p.Glu1758fs)

Gene: TET3 (tet methylcytosine dioxygenase 3; plus strand). Cytogenetic location: 2p13.1.
Variant type: Deletion.
Coding change: c.5272_5275del on transcript NM_001287491.2 (MANE Select); coding-DNA positions 5272 to 5275, 4 bases deleted (GAGA; older notation c.5272_5275delGAGA).
Protein change: p.Glu1758fs; shifts the reading frame from glutamic acid 1758.
Molecular consequence: frameshift variant.
Genome position (GRCh38, 1-based): chr2:74,102,060-74,102,063, GAGA deleted; deleting any 4 consecutive bases within chr2:74,102,059-74,102,063 gives the same sequence; the c. name uses the placement nearest the transcript's 3' end. VCF-style (leftmost placement, unchanged base first): chr2-74102058-AAGAG-A. GRCh37 (hg19) VCF-style: chr2-74329185-AAGAG-A.
Other names: c.4993_4996del, p.Glu1665fs (NM_001366022.1); short protein forms E1665fs, E1758fs.
Identifiers: ClinVar variation 4532345 (VCV004532345.2).